The following is an entry in ClinVar:

NM_004817.4(TJP2):c.1056+73C>A

Gene: TJP2 (tight junction protein 2; plus strand). Cytogenetic location: 9q21.11.
Variant type: single nucleotide variant.
Coding change: c.1056+73C>A on transcript NM_004817.4 (MANE Select); 73 bases into the intron after coding-DNA position 1056, C replaced by A.
Molecular consequence: intron variant.
Genome position (GRCh38, 1-based): chr9:69,225,480, C>A. VCF-style: chr9-69225480-C-A. GRCh37 (hg19) VCF-style: chr9-71840396-C-A.
Other names: c.987+73C>A (NM_001170414.2, NM_001369870.1, NM_001369871.1); c.1056+73C>A (NM_201629.3, NM_001369872.1, NM_001369873.1); c.1068+73C>A (NM_001170415.1, NM_001369875.1, NM_001369874.1); c.1149+73C>A (NM_001170416.2).
Identifiers: ClinVar variation 682680 (VCV000682680.2), dbSNP rs17062682, ClinGen allele CA12956999.

ClinVar aggregate classification (germline): Benign. Review status: criteria provided, multiple submitters, no conflicts (2 of 4 stars). 2 submissions from 2 submitters: Benign (2). Last evaluated 2018-06-14.

Allele frequency attached by ClinVar (database versions not stated): gnomAD exomes 0.15350; gnomAD 0.18375 and 0.18658; 1000 Genomes Project 30x 0.18551; 1000 Genomes Project 0.18830; TOPMed 0.19405.
gnomAD v4.1: 154,273 of 972,944 alleles (16%); highest among the groups gnomAD compares: African/African-American, 27%; 13,396 homozygotes.

Submissions (2):

GeneDx
Classification: Benign. Last evaluated: 2018-06-14. Review status: criteria provided, single submitter. Criteria: GeneDx Variant Classification (06012015). Collection method: clinical testing. Allele origin: germline. Affected: yes.
Comment: This variant is considered likely benign or benign based on one or more of the following criteria: it is a conservative change, it occurs at a poorly conserved position in the protein, it is predicted to be benign by multiple in silico algorithms, and/or has population frequency not consistent with disease.

Breakthrough Genomics
Classification: Benign. Review status: criteria provided, single submitter. Criteria: ACMG Guidelines, 2015. Collection method: not provided. Allele origin: germline. Inheritance: Autosomal recessive inheritance. Affected: yes.